The following is an entry in ClinVar:

NM_000414.4(HSD17B4):c.1154C>A (p.Ser385Tyr)

Gene: HSD17B4 (hydroxysteroid 17-beta dehydrogenase 4; plus strand). Cytogenetic location: 5q23.1.
Variant type: single nucleotide variant.
Coding change: c.1154C>A on transcript NM_000414.4 (MANE Select); coding-DNA position 1154, C replaced by A.
Protein change: p.Ser385Tyr; replaces serine 385 with tyrosine.
Molecular consequence: missense variant.
Genome position (GRCh38, 1-based): chr5:119,499,498, C>A. VCF-style: chr5-119499498-C-A. GRCh37 (hg19) VCF-style: chr5-118835193-C-A.
Other names: c.1154C>A (NM_000414.3); c.1229C>A, p.Ser410Tyr (NM_001199291.3); c.1100C>A, p.Ser367Tyr (NM_001199292.2); c.1082C>A, p.Ser361Tyr (NM_001292027.2); c.734C>A, p.Ser245Tyr (NM_001292028.2); short protein forms S385Y, S410Y, S361Y, S367Y, S245Y.
Identifiers: ClinVar variation 594927 (VCV000594927.9), dbSNP rs1368714235, ClinGen allele CA360868242.
Genomic context (GRCh38, chr5:119,499,498, plus strand): 5'-ATGAAGGAAGTTCTGATTTCTCCTGTTTGCCCACCTTCGGAGTTATCATAGGTCAGAAAT[C>A]TATGATGGGTGGAGGATTAGCAGAAATTCCTGGACTTTCAATCAACTTTGCAAAGGTATG-3'
Protein context (NP_000405.1, residues 375-395): PTFGVIIGQK[Ser385Tyr]MMGGGLAEIP

ClinVar aggregate classification (germline): Uncertain significance. Review status: criteria provided, multiple submitters, no conflicts (2 of 4 stars). 4 submissions from 4 submitters: Uncertain significance (3). 1 of the submissions does not count toward it. Last evaluated 2025-09-09.

Conditions:
Bifunctional peroxisomal enzyme deficiency (DBIF). Also called: DBP DEFICIENCY; D-bifunctional protein deficiency; PBFE DEFICIENCY. Identifiers: Orphanet 300, MedGen C0342870, MONDO:0009855, OMIM 261515. Disease mechanism: loss of function.
Perrault syndrome. Also called: Gonadal dysgenesis with auditory dysfunction, autosomal recessive inheritance. Identifiers: Orphanet 2855, MedGen C0685838, MONDO:0017312.
Inborn genetic diseases. Identifiers: MedGen C0950123, MeSH D030342.

Allele frequency attached by ClinVar (database versions not stated): gnomAD 0.00001; TOPMed 0.00001; gnomAD exomes 0.00002.
gnomAD v4.1: 7 of 1,613,676 alleles (0.00043%); highest among the groups gnomAD compares: Admixed American, 0.012%; no homozygotes.

Submissions (4):

Ambry Genetics
Classification: Uncertain significance for Inborn genetic diseases. Last evaluated: 2025-09-09. Review status: criteria provided, single submitter. Criteria: Ambry Variant Classification Scheme 2023. Collection method: clinical testing. Allele origin: germline.

Labcorp Genetics (formerly Invitae), Labcorp
Classification: Uncertain significance for Perrault syndrome; Bifunctional peroxisomal enzyme deficiency. Last evaluated: 2021-12-02. Review status: criteria provided, single submitter. Criteria: Invitae Variant Classification Sherloc (09022015). Collection method: clinical testing. Allele origin: germline.
Comment: This sequence change replaces serine, which is neutral and polar, with tyrosine, which is neutral and polar, at codon 385 of the HSD17B4 protein (p.Ser385Tyr). This variant is present in population databases (no rsID available, gnomAD 0.01%). This variant has not been reported in the literature in individuals affected with HSD17B4-related conditions. ClinVar contains an entry for this variant (Variation ID: 594927). Advanced modeling of protein sequence and biophysical properties (such as structural, functional, and spatial information, amino acid conservation, physicochemical variation, residue mobility, and thermodynamic stability) performed at Invitae indicates that this missense variant is not expected to disrupt HSD17B4 protein function. In summary, the available evidence is currently insufficient to determine the role of this variant in disease. Therefore, it has been classified as a Variant of Uncertain Significance.

Eurofins Ntd Llc (ga)
Classification: Uncertain significance. Last evaluated: 2017-11-08. Review status: criteria provided, single submitter. Criteria: EGL Classification Definitions 2015. Collection method: clinical testing. Allele origin: germline. Observed: 1 variant allele, 1 heterozygote.

Natera, Inc.
Classification: Uncertain significance for Bifunctional peroxisomal enzyme deficiency. Last evaluated: 2019-10-28. Review status: no assertion criteria provided. Collection method: clinical testing. Allele origin: germline. Not counted in ClinVar's aggregate classification.